The following is an entry in ClinVar:

ClinVar aggregate classification (germline): Uncertain significance (1 of 4 stars; one submission).

Conditions:
Neurofibromatosis, type 2 (SWNV). Also called: BILATERAL ACOUSTIC NEUROFIBROMATOSIS; SCHWANNOMATOSIS, VESTIBULAR; NF2-Related Schwannomatosis. Identifiers: Orphanet 637, MedGen C0027832, MONDO:0007039, OMIM 101000. Disease mechanism: loss of function.

Submission:

Labcorp Genetics (formerly Invitae), Labcorp
Classification: Uncertain significance for Neurofibromatosis, type 2. Last evaluated: 2021-11-12. Review status: criteria provided, single submitter. Criteria: Invitae Variant Classification Sherloc (09022015). Collection method: clinical testing. Allele origin: germline.
Comment: This variant, c.375_377del, is a complex sequence change that results in the deletion of 2 and insertion of 1 amino acid(s) in the NF2 protein (p.Gln125_Ile126delinsHis). This variant is not present in population databases (gnomAD no frequency). This variant has been observed in individual(s) with clinical features of neurofibromatosis, type 2 (Invitae). Experimental studies and prediction algorithms are not available or were not evaluated, and the functional significance of this variant is currently unknown. In summary, the available evidence is currently insufficient to determine the role of this variant in disease. Therefore, it has been classified as a Variant of Uncertain Significance.

NM_000268.4(NF2):c.375_377del (p.Gln125_Ile126delinsHis)

Gene: NF2 (NF2, moesin-ezrin-radixin like (MERLIN) tumor suppressor; plus strand). Cytogenetic location: 22q12.2.
Variant type: Deletion.
Coding change: c.375_377del on transcript NM_000268.4 (MANE Select); coding-DNA positions 375 to 377, 3 bases deleted (GAT; older notation c.375_377delGAT).
Protein change: p.Gln125_Ile126delinsHis.
Molecular consequence: inframe indel. On other transcripts: non-coding transcript variant (1).
Genome position (GRCh38, 1-based): chr22:29,642,213-29,642,215, GAT deleted. VCF-style (leftmost placement, unchanged base first): chr22-29642212-AGAT-A. GRCh37 (hg19) VCF-style: chr22-30038201-AGAT-A.
Other names: c.375_377del, p.Gln125_Ile126delinsHis (NM_016418.5, NM_181825.3, NM_181832.3 and 1 more transcripts); c.249_251del, p.Gln83_Ile84delinsHis (NM_181828.3); c.252_254del, p.Gln84_Ile85delinsHis (NM_181829.3); c.126_128del, p.Gln42_Ile43delinsHis (NM_181830.3, NM_181831.3).
Identifiers: ClinVar variation 1488471 (VCV001488471.6), dbSNP rs2146892973, ClinGen allele CA2573157880.
Genomic context (GRCh38, chr22:29,642,212, plus strand): 5'-ACCTCACTTCCACTCACAGAGTATCATGTCTCCCTTGTTGCTCCTTTCAGGTAAAGAAGC[AGAT>A]TTTAGATGAAAAGATCTACTGCCCTCCTGAGGCTTCTGTGCTCCTGGCTTCTTACGCCGT-3'